The following is an entry in ClinVar:

NM_032888.4(COL27A1):c.4025del (p.Pro1342fs)

Genes: COL27A1 (collagen type XXVII alpha 1 chain; plus strand), LOC126860736 (MED14-independent group 3 enhancer GRCh37_chr9:117050487-117051686; plus strand). Cytogenetic location: 9q32.
Variant type: Deletion.
Coding change: c.4025del on transcript NM_032888.4 (MANE Select); coding-DNA position 4025, one base deleted (C; older notation c.4025delC).
Protein change: p.Pro1342fs; shifts the reading frame from proline 1342.
Molecular consequence: frameshift variant.
Genome position (GRCh38, 1-based): chr9:114,288,492, C deleted; the last of 5 consecutive C bases (chr9:114,288,488-114,288,492); deleting any one gives the same sequence. VCF-style (leftmost placement, unchanged base first): chr9-114288487-GC-G. GRCh37 (hg19) VCF-style: chr9-117050767-GC-G.
Other names: short protein forms P1342fs.
Identifiers: ClinVar variation 1455677 (VCV001455677.6), dbSNP rs2131616094, ClinGen allele CA2573143834.
Genomic context (GRCh38, chr9:114,288,487, plus strand): 5'-TGCCCTAAAGCTGGTTCTGTGTCCACAGGGGGAGCAGGGCGAGGACGGCAAGGCTGAGGG[GC>G]CCCCTGGGCCACCTGGAGATCGGGTAAGCCCCCTCCCTCCCCTGGACCATGTGGCGTCCT-3'

ClinVar aggregate classification (germline): Pathogenic (1 of 4 stars; one submission).

Submission:

Labcorp Genetics (formerly Invitae), Labcorp
Classification: Pathogenic. Last evaluated: 2021-11-09. Review status: criteria provided, single submitter. Criteria: Invitae Variant Classification Sherloc (09022015). Collection method: clinical testing. Allele origin: germline.
Comment: For these reasons, this variant has been classified as Pathogenic. This variant has not been reported in the literature in individuals affected with COL27A1-related conditions. This variant is not present in population databases (gnomAD no frequency). This sequence change creates a premature translational stop signal (p.Pro1342Leufs*225) in the COL27A1 gene. It is expected to result in an absent or disrupted protein product. Loss-of-function variants in COL27A1 are known to be pathogenic (PMID: 24986830, 28276056).

Literature cited by the submitters: PubMed 24986830; PubMed 28276056.